The following is an entry in ClinVar:

ClinVar aggregate classification (germline): Uncertain significance (1 of 4 stars; one submission).

Conditions:
Neurodegeneration with brain iron accumulation 5 (NBIA5). Also called: Beta-propeller protein-associated neurodegeneration; STATIC ENCEPHALOPATHY OF CHILDHOOD WITH NEURODEGENERATION IN ADULTHOOD. Identifiers: Orphanet 329284, MedGen C3550973, MONDO:0010476, OMIM 300894.

gnomAD v4.1: 1 of 1,210,645 alleles (0.000083%); highest among the groups gnomAD compares: Non-Finnish European, 0.00011%; no homozygotes.

Submission:

Labcorp Genetics (formerly Invitae), Labcorp
Classification: Uncertain significance for Neurodegeneration with brain iron accumulation 5. Last evaluated: 2023-11-11. Review status: criteria provided, single submitter. Criteria: Invitae Variant Classification Sherloc (09022015). Collection method: clinical testing. Allele origin: germline.
Comment: This sequence change replaces arginine, which is basic and polar, with leucine, which is neutral and non-polar, at codon 280 of the WDR45 protein (p.Arg280Leu). This variant is not present in population databases (gnomAD no frequency). This variant has not been reported in the literature in individuals affected with WDR45-related conditions. Advanced modeling of protein sequence and biophysical properties (such as structural, functional, and spatial information, amino acid conservation, physicochemical variation, residue mobility, and thermodynamic stability) performed at Invitae indicates that this missense variant is not expected to disrupt WDR45 protein function with a negative predictive value of 80%. In summary, the available evidence is currently insufficient to determine the role of this variant in disease. Therefore, it has been classified as a Variant of Uncertain Significance.

NM_001029896.2(WDR45):c.836G>T (p.Arg279Leu)

Gene: WDR45 (WD repeat domain 45; minus strand). Cytogenetic location: Xp11.23.
Variant type: single nucleotide variant.
Coding change: c.836G>T on transcript NM_001029896.2 (MANE Select); coding-DNA position 836, G replaced by T.
Protein change: p.Arg279Leu; replaces arginine 279 with leucine.
Molecular consequence: missense variant.
Genome position (GRCh38, 1-based): chrX:49,075,273, C>A on the plus strand (G>T on the coding strand, the complement: WDR45 is on the minus strand). VCF-style: chrX-49075273-C-A. GRCh37 (hg19) VCF-style: chrX-48932932-C-A.
Other names: c.839G>T, p.Arg280Leu (NM_007075.4); short protein forms R280L, R279L.
Identifiers: ClinVar variation 2741945 (VCV002741945.3), dbSNP rs782296130, ClinGen allele CA412942492.
Genomic context (GRCh38, chrX:49,075,273, plus strand): 5'-CTCGCCAGGCTCCACTGAGAGTCCACGTACTGCCCAATCATAGGCCCCACCTTGCCCACG[C>A]GAGCCAGCCTGCAGGCAGCACTGGCTAAGCCCAGGTATGGTAAATGGGCAGGGGGACAGG-3'
Protein context (NP_001025067.1, residues 269-289): TRLNRRSALA[Arg279Leu]VGKVGPMIGQ